The following is an entry in ClinVar:

NM_002617.4(PEX10):c.772C>G (p.Arg258Gly)

Gene: PEX10 (peroxisomal biogenesis factor 10; minus strand). Cytogenetic location: 1p36.32.
Variant type: single nucleotide variant.
Coding change: c.772C>G on transcript NM_002617.4 (MANE Select); coding-DNA position 772, C replaced by G.
Protein change: p.Arg258Gly; replaces arginine 258 with glycine.
Molecular consequence: missense variant. On other transcripts: non-coding transcript variant (1).
Genome position (GRCh38, 1-based): chr1:2,406,724, G>C on the plus strand (C>G on the coding strand, the complement: PEX10 is on the minus strand). VCF-style: chr1-2406724-G-C. GRCh37 (hg19) VCF-style: chr1-2338163-G-C.
Other names: c.829C>G, p.Arg277Gly (NM_001374425.1); c.397C>G, p.Arg133Gly (NM_001374426.1); c.340C>G, p.Arg114Gly (NM_001374427.1); c.832C>G, p.Arg278Gly (NM_153818.2); short protein forms R114G, R133G, R277G, R258G, R278G.
Identifiers: ClinVar variation 962031 (VCV000962031.7), dbSNP rs760632208, ClinGen allele CA538040.
Genomic context (GRCh38, chr1:2,406,724, plus strand): 5'-GTCCTTGTGAAGTGCCCAGGACACCCCCAGCCCCCATGTGTGGCCCCCGCACGCACCTGC[G>C]GTGAGACAGGCCGCGGTGCAGCCTCCACTCCTTCCTGGCTCGCTGCCGCTGCCTGAAACC-3'
Protein context (NP_002608.1, residues 248-268): EWRLHRGLSH[Arg258Gly]RASLEERAVS

ClinVar aggregate classification (germline): Uncertain significance. Review status: criteria provided, single submitter (1 of 4 stars). 2 submissions from 2 submitters: Uncertain significance (1). 1 of the submissions does not count toward it. Last evaluated 2024-10-08.

Conditions:
Peroxisome biogenesis disorder, complementation group 7 (CG7). Also called: Peroxisome biogenesis disorder, complementation group B. Identifiers: MedGen C1864399.
PEX10-related disorder. Also called: PEX10-related condition.

gnomAD v4.1: 10 of 1,608,776 alleles (0.00062%); highest among the groups gnomAD compares: Admixed American, 0.017%; no homozygotes.

Submissions (2):

Labcorp Genetics (formerly Invitae), Labcorp
Classification: Uncertain significance for Peroxisome biogenesis disorder, complementation group 7. Last evaluated: 2024-10-08. Review status: criteria provided, single submitter. Criteria: Invitae Variant Classification Sherloc (09022015). Collection method: clinical testing. Allele origin: germline.
Comment: This sequence change replaces arginine, which is basic and polar, with glycine, which is neutral and non-polar, at codon 278 of the PEX10 protein (p.Arg278Gly). This variant is present in population databases (rs760632208, gnomAD 0.03%). This variant has not been reported in the literature in individuals affected with PEX10-related conditions. ClinVar contains an entry for this variant (Variation ID: 962031). An algorithm developed to predict the effect of missense changes on protein structure and function (PolyPhen-2) suggests that this variant is likely to be tolerated. In summary, the available evidence is currently insufficient to determine the role of this variant in disease. Therefore, it has been classified as a Variant of Uncertain Significance.

PreventionGenetics, part of Exact Sciences
Classification: Uncertain significance for PEX10-related condition. Last evaluated: 2024-08-29. Review status: no assertion criteria provided. Collection method: clinical testing. Allele origin: germline. Not counted in ClinVar's aggregate classification.
Comment: The PEX10 c.832C>G variant is predicted to result in the amino acid substitution p.Arg278Gly. To our knowledge, this variant has not been reported in the literature. This variant is reported in 0.029% of alleles in individuals of Latino descent in gnomAD. At this time, the clinical significance of this variant is uncertain due to the absence of conclusive functional and genetic evidence.